The following is an entry in ClinVar:

NM_005592.4(MUSK):c.1385-3C>T

Gene: MUSK (muscle associated receptor tyrosine kinase; plus strand). Cytogenetic location: 9q31.3.
Variant type: single nucleotide variant.
Coding change: c.1385-3C>T on transcript NM_005592.4 (MANE Select); 3 bases into the intron before coding-DNA position 1385, C replaced by T.
Molecular consequence: intron variant.
Genome position (GRCh38, 1-based): chr9:110,784,812, C>T. VCF-style: chr9-110784812-C-T. GRCh37 (hg19) VCF-style: chr9-113547092-C-T.
Other names: c.1127-3C>T (NM_001166280.2); c.1097-3C>T (NM_001166281.2); c.125-3C>T (NM_001369398.1).
Identifiers: ClinVar variation 1039098 (VCV001039098.6), dbSNP rs775863015, ClinGen allele CA5184362.

ClinVar aggregate classification (germline): Uncertain significance (1 of 4 stars; one submission).

Conditions:
Congenital myasthenic syndrome 9. Also called: Myasthenic syndrome, congenital, 9, associated with acetylcholine receptor deficiency. Identifiers: Orphanet 590, MedGen C4225368, MONDO:0014587, OMIM 616325.
Fetal akinesia deformation sequence 1 (FADS1). Also called: Fetal akinesia sequence; Pena-Shokeir syndrome type I. Identifiers: Orphanet 994, MedGen C1276035, MONDO:0100101, OMIM 208150, HP:0001989.

Allele frequency attached by ClinVar (database versions not stated): gnomAD exomes 0.00001 and 0.00003; TOPMed 0.00001; ExAC 0.00003.
gnomAD v4.1: 9 of 1,600,962 alleles (0.00056%); highest among the groups gnomAD compares: Admixed American, 0.012%; no homozygotes.

Submission:

Labcorp Genetics (formerly Invitae), Labcorp
Classification: Uncertain significance for Congenital myasthenic syndrome 9; Fetal akinesia deformation sequence 1. Last evaluated: 2022-02-09. Review status: criteria provided, single submitter. Criteria: Invitae Variant Classification Sherloc (09022015). Collection method: clinical testing. Allele origin: germline.
Comment: This sequence change falls in intron 11 of the MUSK gene. It does not directly change the encoded amino acid sequence of the MUSK protein. It affects a nucleotide within the consensus splice site. This variant is present in population databases (rs775863015, gnomAD 0.02%). This variant has not been reported in the literature in individuals affected with MUSK-related conditions. ClinVar contains an entry for this variant (Variation ID: 1039098). Variants that disrupt the consensus splice site are a relatively common cause of aberrant splicing (PMID: 17576681, 9536098). Algorithms developed to predict the effect of sequence changes on RNA splicing suggest that this variant is not likely to affect RNA splicing. In summary, the available evidence is currently insufficient to determine the role of this variant in disease. Therefore, it has been classified as a Variant of Uncertain Significance.

Literature cited by the submitters: PubMed 17576681; PubMed 9536098.